The following is an entry in ClinVar:

ClinVar aggregate classification (germline): Uncertain significance (1 of 4 stars; one submission).

Conditions:
Microcephaly, normal intelligence and immunodeficiency (NBS). Also called: Microcephaly with normal intelligence immunodeficiency and lymphoreticular malignancies; Nonsyndromal microcephaly autosomal recessive with normal intelligence; Seemanova syndrome 2; Immunodeficiency, microcephaly with normal intelligence; BERLIN BREAKAGE SYNDROME; SEEMANOVA SYNDROME II. Identifiers: Orphanet 647, MedGen C0398791, MONDO:0009623, OMIM 251260.

Submission:

Labcorp Genetics (formerly Invitae), Labcorp
Classification: Uncertain significance for Microcephaly, normal intelligence and immunodeficiency. Last evaluated: 2020-12-31. Review status: criteria provided, single submitter. Criteria: Invitae Variant Classification Sherloc (09022015). Collection method: clinical testing. Allele origin: germline.
Comment: In summary, the available evidence is currently insufficient to determine the role of this variant in disease. Therefore, it has been classified as a Variant of Uncertain Significance. Algorithms developed to predict the effect of sequence changes on RNA splicing suggest that this variant may create or strengthen a splice site, but this prediction has not been confirmed by published transcriptional studies. Algorithms developed to predict the effect of missense changes on protein structure and function output the following: SIFT: "Tolerated"; PolyPhen-2: "Benign"; Align-GVGD: "Class C0". The glycine amino acid residue is found in multiple mammalian species, suggesting that this missense change does not adversely affect protein function. These predictions have not been confirmed by published functional studies and their clinical significance is uncertain. This variant has not been reported in the literature in individuals with NBN-related conditions. This variant is not present in population databases (ExAC no frequency). This sequence change replaces aspartic acid with glycine at codon 677 of the NBN protein (p.Asp677Gly). The aspartic acid residue is weakly conserved and there is a moderate physicochemical difference between aspartic acid and glycine.

NM_002485.5(NBN):c.2030A>G (p.Asp677Gly)

Gene: NBN (nibrin; minus strand). Cytogenetic location: 8q21.3.
Variant type: single nucleotide variant.
Coding change: c.2030A>G on transcript NM_002485.5 (MANE Select); coding-DNA position 2030, A replaced by G.
Protein change: p.Asp677Gly; replaces aspartic acid 677 with glycine.
Molecular consequence: missense variant.
Genome position (GRCh38, 1-based): chr8:89,946,180, T>C on the plus strand (A>G on the coding strand, the complement: NBN is on the minus strand). VCF-style: chr8-89946180-T-C. GRCh37 (hg19) VCF-style: chr8-90958408-T-C.
Other names: c.1784A>G, p.Asp595Gly (NM_001024688.3); short protein forms D595G, D677G.
Identifiers: ClinVar variation 1398356 (VCV001398356.8), dbSNP rs2130763851, ClinGen allele CA371676406.